The following is an entry in ClinVar:

ClinVar aggregate classification (germline): Uncertain significance (1 of 4 stars; one submission).

Conditions:
SETD5-related disorder. Also called: SETD5-related disorders; SETD5-related condition.

Submission:

PreventionGenetics, part of Exact Sciences
Classification: Uncertain significance for SETD5-related condition. Last evaluated: 2026-07-09. Review status: criteria provided, single submitter. Criteria: ACMG Guidelines, 2015. Collection method: clinical testing. Allele origin: germline.
Comment: The SETD5 c.595G>A variant is predicted to result in the amino acid substitution p.Asp199Asn. To our knowledge, this variant has not been reported in the literature or in a large population database (gnomAD), indicating this variant is rare. At this time, the clinical significance of this variant is uncertain due to the absence of conclusive functional and genetic evidence.

NM_001080517.3(SETD5):c.595G>A (p.Asp199Asn)

Gene: SETD5 (SET domain containing 5; plus strand). Cytogenetic location: 3p25.3.
Variant type: single nucleotide variant.
Coding change: c.595G>A on transcript NM_001080517.3 (MANE Select); coding-DNA position 595, G replaced by A.
Protein change: p.Asp199Asn; replaces aspartic acid 199 with asparagine.
Molecular consequence: missense variant.
Genome position (GRCh38, 1-based): chr3:9,440,483, G>A. VCF-style: chr3-9440483-G-A. GRCh37 (hg19) VCF-style: chr3-9482167-G-A.
Other names: c.301G>A, p.Asp101Asn (NM_001292043.2, NM_001349451.2); c.691G>A, p.Asp231Asn (NM_001437633.1); c.652G>A, p.Asp218Asn (NM_001437635.1); c.595G>A, p.Asp199Asn (NM_001437643.1); c.634G>A, p.Asp212Asn (NM_001437701.1); short protein forms D212N, D199N, D231N, D101N, D218N.
Identifiers: ClinVar variation 4984711 (VCV004984711.1).